The following is an entry in ClinVar:

ClinVar aggregate classification (germline): Likely pathogenic (1 of 4 stars; one submission).

Conditions:
Heterotaxy, visceral, 8, autosomal (HTX8). Identifiers: MedGen C4310668, MONDO:0014967, OMIM 617205.

Submission:

Juno Genomics, Hangzhou Juno Genomics, Inc
Classification: Likely pathogenic for Heterotaxy, visceral, 8, autosomal. Review status: criteria provided, single submitter. Criteria: ACMG Guidelines, 2015. Collection method: clinical testing. Allele origin: germline. Affected: yes.
Comment: Null variant in a gene where loss of function (LOF) is a known mechanism of disease.;Absent from controls (or at extremely low frequency if recessive) in Genome Aggregation Database, Exome Sequencing Project, 1000 Genomes Project, or Exome Aggregation Consortium.

NM_138295.5(PKD1L1):c.1529_1530del (p.Ser510fs)

Gene: PKD1L1 (polycystin 1 like 1, transient receptor potential channel interacting; minus strand). Cytogenetic location: 7p12.3.
Variant type: Microsatellite.
Coding change: c.1529_1530del on transcript NM_138295.5 (MANE Select); coding-DNA positions 1529 to 1530, 2 bases deleted (CT; older notation c.1529_1530delCT).
Protein change: p.Ser510fs; shifts the reading frame from serine 510.
Molecular consequence: frameshift variant.
Genome position (GRCh38, 1-based): chr7:47,905,318-47,905,319, AG deleted on the plus strand (CT on the coding strand, the reverse complement: PKD1L1 is on the minus strand); deleting any 2 consecutive bases within chr7:47,905,318-47,905,322 gives the same sequence; the c. name uses the placement nearest the transcript's 3' end. VCF-style (leftmost placement, unchanged base first): chr7-47905317-CAG-C. GRCh37 (hg19) VCF-style: chr7-47944914-CAG-C.
Other names: short protein forms S510fs.
Identifiers: ClinVar variation 3382938 (VCV003382938.2).